The following is an entry in ClinVar:

ClinVar aggregate classification (germline): Uncertain significance (1 of 4 stars; one submission).

Submission:

Labcorp Genetics (formerly Invitae), Labcorp
Classification: Uncertain significance. Last evaluated: 2022-10-03. Review status: criteria provided, single submitter. Criteria: Invitae Variant Classification Sherloc (09022015). Collection method: clinical testing. Allele origin: germline.
Comment: In summary, the available evidence is currently insufficient to determine the role of this variant in disease. Therefore, it has been classified as a Variant of Uncertain Significance. Advanced modeling of protein sequence and biophysical properties (such as structural, functional, and spatial information, amino acid conservation, physicochemical variation, residue mobility, and thermodynamic stability) performed at Invitae indicates that this missense variant is not expected to disrupt VPS13A protein function. This variant has not been reported in the literature in individuals affected with VPS13A-related conditions. This variant is not present in population databases (gnomAD no frequency). This sequence change replaces threonine, which is neutral and polar, with serine, which is neutral and polar, at codon 2201 of the VPS13A protein (p.Thr2201Ser).

NM_033305.3(VPS13A):c.6601A>T (p.Thr2201Ser)

Gene: VPS13A (vacuolar protein sorting 13 homolog A; plus strand). Cytogenetic location: 9q21.2.
Variant type: single nucleotide variant.
Coding change: c.6601A>T on transcript NM_033305.3 (MANE Select); coding-DNA position 6601, A replaced by T.
Protein change: p.Thr2201Ser; replaces threonine 2201 with serine.
Molecular consequence: missense variant.
Genome position (GRCh38, 1-based): chr9:77,339,738, A>T. VCF-style: chr9-77339738-A-T. GRCh37 (hg19) VCF-style: chr9-79954654-A-T.
Other names: c.6484A>T, p.Thr2162Ser (NM_001018037.2); c.6601A>T, p.Thr2201Ser (NM_001018038.3, NM_015186.4); short protein forms T2162S, T2201S.
Identifiers: ClinVar variation 2127213 (VCV002127213.4), dbSNP rs2538076064, ClinGen allele CA373851192.